The following is an entry in ClinVar:

ClinVar aggregate classification (germline): Uncertain significance (0 of 4 stars; one submission).

Allele frequency attached by ClinVar (database versions not stated): gnomAD 0.00006 and 0.00007; gnomAD exomes 0.00007 and 0.00019; TOPMed 0.00005.
gnomAD v4.1: 109 of 702,880 alleles (0.016%); highest among the groups gnomAD compares: Non-Finnish European, 0.028%; 1 homozygote.

Submission:

Department of Pathology and Laboratory Medicine, Sinai Health System
Classification: Uncertain significance. Review status: no assertion criteria provided. Collection method: clinical testing. Allele origin: unknown. Affected: yes. Study: The Canadian Open Genetics Repository (COGR).
Comment: The BEAN1 p.Ala79Asp variant was not identified in the literature nor was it identified in ClinVar, Cosmic or LOVD 3.0. The variant was identified in dbSNP (ID: rs1298714588) and in control databases in 14 of 166022 chromosomes (1 homozygous) at a frequency of 0.000084 (Genome Aggregation Database Feb 27, 2017). The variant was observed in the following population: European (non-Finnish) in 14 of 68304 chromosomes (freq: 0.000205), while the variant was not observed in the African, Latino, Ashkenazi Jewish, East Asian, European (Finnish), Other, and South Asian populations. The p.Ala79 residue is conserved across mammals and other organisms however computational analyses (AlignGVGD, BLOSUM, MutationTaster) provide inconsistent predictions on the potential impact to the protein; this information is not predictive enough to rule out pathogenicity. The variant occurs outside of the splicing consensus sequence and in silico or computational prediction software programs (SpliceSiteFinder, MaxEntScan, NNSPLICE, GeneSplicer) do not predict a difference in splicing. In summary, based on the above information the clinical significance of this variant cannot be determined with certainty at this time. This variant is classified as a variant of uncertain significance.

NM_001197224.4(BEAN1):c.240C>A (p.Gly80=)

Gene: BEAN1 (brain expressed associated with NEDD4 1; plus strand). Cytogenetic location: 16q21.
Variant type: single nucleotide variant.
Coding change: c.240C>A on transcript NM_001197224.4; coding-DNA position 240, C replaced by A.
Protein change: p.Gly80=; no amino-acid change (glycine 80 retained).
Molecular consequence: synonymous variant.
Genome position (GRCh38, 1-based): chr16:66,493,050, C>A. VCF-style: chr16-66493050-C-A. GRCh37 (hg19) VCF-style: chr16-66526953-C-A.
Identifiers: ClinVar variation 1050173 (VCV001050173.3), dbSNP rs1298714588, ClinGen allele CA396185705.